The following is an entry in ClinVar:

ClinVar aggregate classification (germline): Likely benign. Review status: criteria provided, single submitter (1 of 4 stars). 2 submissions from 1 submitter: Likely benign (2). Last evaluated 2018-01-12.

Conditions:
Adult-onset proximal spinal muscular atrophy, autosomal dominant. Also called: FINKEL LATE-ADULT TYPE SMA; Spinal muscular atrophy, late-onset, finkel type. Identifiers: Orphanet 209335, MedGen C1854058, MONDO:0008453, OMIM 182980.
Amyotrophic lateral sclerosis type 8 (ALS8). Identifiers: Orphanet 803, MedGen C1837728, MONDO:0012077, OMIM 608627.

Allele frequency attached by ClinVar (database versions not stated): ExAC 0.00019.
gnomAD v4.1: 18 of 724,306 alleles (0.0025%); highest among the groups gnomAD compares: East Asian, 0.017%; 2 homozygotes.

Submissions (2):

Illumina Laboratory Services, Illumina
Classification: Likely benign for Adult-onset proximal spinal muscular atrophy, autosomal dominant. Last evaluated: 2018-01-12. Review status: criteria provided, single submitter. Criteria: ICSL Variant Classification Criteria 13 December 2019. Collection method: clinical testing. Allele origin: germline.
Comment: This variant was observed in the ICSL laboratory as part of a predisposition screen in an ostensibly healthy population. It had not been previously curated by ICSL or reported in the Human Gene Mutation Database (HGMD: prior to June 1st, 2018), and was therefore a candidate for classification through an automated scoring system. Utilizing variant allele frequency, disease prevalence and penetrance estimates, and inheritance mode, an automated score was calculated to assess if this variant is too frequent to cause the disease. Based on the score and internal cut-off values, a variant classified as likely benign is not then subjected to further curation. The score for this variant resulted in a classification of likely benign for this disease.

Illumina Laboratory Services, Illumina
Classification: Likely benign for Amyotrophic lateral sclerosis type 8. Last evaluated: 2018-01-12. Review status: criteria provided, single submitter. Criteria: ICSL Variant Classification Criteria 13 December 2019. Collection method: clinical testing. Allele origin: germline.
Comment: the same text as in the submission from Illumina Laboratory Services, Illumina above.

NM_004738.5(VAPB):c.-150C>G

Genes: VAPB (VAMP associated protein B and C; plus strand), LOC130066253 (ATAC-STARR-seq lymphoblastoid silent region 13072; plus strand). Cytogenetic location: 20q13.32.
Variant type: single nucleotide variant.
Coding change: c.-150C>G on transcript NM_004738.5 (MANE Select); 150 bases upstream of the start codon, C replaced by G.
Molecular consequence: 5 prime UTR variant. On other transcripts: non-coding transcript variant (1).
Genome position (GRCh38, 1-based): chr20:58,389,310, C>G. VCF-style: chr20-58389310-C-G. GRCh37 (hg19) VCF-style: chr20-56964366-C-G.
Other names: c.-150C>G (NM_001195677.2).
Identifiers: ClinVar variation 895951 (VCV000895951.5), dbSNP rs572151788, ClinGen allele CA9924103.
Genomic context (GRCh38, chr20:58,389,310, plus strand): 5'-CACCGCGGCCTCGCCCTCGCCCTCCGCCCCTGCGCCTGCACCGCGTAGACCGACCCCCCC[C>G]CAGCGCGCCCACCCGGTAGAGGACCCCCGCCCGTGCCCCGACCGGTCCCCGCCTTTTTGT-3'